The following is an entry in ClinVar:

NM_015295.3(SMCHD1):c.5798T>A (p.Leu1933His)

Gene: SMCHD1 (structural maintenance of chromosomes flexible hinge domain containing 1; plus strand). Cytogenetic location: 18p11.32.
Variant type: single nucleotide variant.
Coding change: c.5798T>A on transcript NM_015295.3 (MANE Select); coding-DNA position 5798, T replaced by A.
Protein change: p.Leu1933His; replaces leucine 1933 with histidine.
Molecular consequence: missense variant.
Genome position (GRCh38, 1-based): chr18:2,796,027, T>A. VCF-style: chr18-2796027-T-A. GRCh37 (hg19) VCF-style: chr18-2796025-T-A.
Other names: short protein forms L1933H.
Identifiers: ClinVar variation 931385 (VCV000931385.6), dbSNP rs1405560459, ClinGen allele CA401690888.

ClinVar aggregate classification (germline): Uncertain significance. Review status: criteria provided, multiple submitters, no conflicts (2 of 4 stars). 2 submissions from 2 submitters: Uncertain significance (2). Last evaluated 2023-06-10.

Conditions:
Facioscapulohumeral muscular dystrophy 2 (FSHD2). Also called: MUSCULAR DYSTROPHY, FACIOSCAPULOHUMERAL, TYPE 1B; FACIOSCAPULOHUMERAL MUSCULAR DYSTROPHY 2, DIGENIC; FSHD2, DIGENIC. Identifiers: Orphanet 269, MedGen C1834671, MONDO:0008031, OMIM 158901.
Arrhinia with choanal atresia and microphthalmia syndrome. Also called: ARHINIA, CHOANAL ATRESIA, MICROPHTHALMIA, AND HYPOGONADOTROPIC HYPOGONADISM; Arhinia, choanal atresia, and microphthalmia; Arrhinia-choanal atresia-microphthalmia syndrome. Identifiers: Orphanet 1135, Orphanet 2250, MedGen C1863878, MONDO:0011323, OMIM 603457.

Allele frequency attached by ClinVar (database versions not stated): gnomAD 0.00001; gnomAD exomes 0.00001.
gnomAD v4.1: 14 of 1,593,922 alleles (0.00088%); highest among the groups gnomAD compares: Non-Finnish European, 0.0012%; no homozygotes.

Submissions (2):

Labcorp Genetics (formerly Invitae), Labcorp
Classification: Uncertain significance for Facioscapulohumeral muscular dystrophy 2. Last evaluated: 2023-06-10. Review status: criteria provided, single submitter. Criteria: Invitae Variant Classification Sherloc (09022015). Collection method: clinical testing. Allele origin: germline.
Comment: In summary, the available evidence is currently insufficient to determine the role of this variant in disease. Therefore, it has been classified as a Variant of Uncertain Significance. Advanced modeling of protein sequence and biophysical properties (such as structural, functional, and spatial information, amino acid conservation, physicochemical variation, residue mobility, and thermodynamic stability) performed at Invitae indicates that this missense variant is not expected to disrupt SMCHD1 protein function. ClinVar contains an entry for this variant (Variation ID: 931385). This variant has not been reported in the literature in individuals affected with SMCHD1-related conditions. This variant is present in population databases (no rsID available, gnomAD 0.002%). This sequence change replaces leucine, which is neutral and non-polar, with histidine, which is basic and polar, at codon 1933 of the SMCHD1 protein (p.Leu1933His).

Centre for Mendelian Genomics, University Medical Centre Ljubljana
Classification: Uncertain significance for Arrhinia with choanal atresia and microphthalmia syndrome. Last evaluated: 2019-03-19. Review status: criteria provided, single submitter. Criteria: ACMG Guidelines, 2015. Collection method: clinical testing. Allele origin: unknown. Affected: yes.
Comment: This variant was classified as: Uncertain significance. The available evidence on this variant's pathogenicity is insufficient or conflicting. The following ACMG criteria were applied in classifying this variant: No criteria apply.